The following is an entry in ClinVar:

ClinVar aggregate classification (germline): Pathogenic (1 of 4 stars; one submission).

Conditions:
Rubinstein-Taybi syndrome (RSTS). Identifiers: Orphanet 783, MedGen C0035934, MONDO:0019188.

Submission:

Labcorp Genetics (formerly Invitae), Labcorp
Classification: Pathogenic for Rubinstein-Taybi syndrome. Last evaluated: 2021-10-05. Review status: criteria provided, single submitter. Criteria: Invitae Variant Classification Sherloc (09022015). Collection method: clinical testing. Allele origin: germline.
Comment: For these reasons, this variant has been classified as Pathogenic. A similar copy number variant has been observed in individuals with Rubinstein‚ÄìTaybi Syndrome (PMID: 14974086, 20583168). This variant is a gross deletion of the genomic region encompassing exon(s) 2 of the CREBBP gene. This deletion is out-of-frame, and is expected to create a premature translational stop signal and result in an absent or disrupted protein product. Loss-of-function variants in CREBBP are known to be pathogenic (PMID: 17052327, 18792986).

Literature cited by the submitters: PubMed 14974086; PubMed 20583168; PubMed 17052327; PubMed 18792986.

NC_000016.9:g.(?_3900278)_(3901030_?)del

Gene: CREBBP (CREB binding lysine acetyltransferase; minus strand). Cytogenetic location: 16p13.3.
Variant type: Deletion.
Identifiers: ClinVar variation 1073076 (VCV001073076.5).